The following is an entry in ClinVar:

ClinVar aggregate classification (germline): Uncertain significance (1 of 4 stars; one submission).

Conditions:
Hereditary sensory and autonomic neuropathy type 6. Also called: HSAN VI; Neuropathy, hereditary sensory and autonomic, type VI. Identifiers: Orphanet 314381, MedGen C3539003, MONDO:0013839, OMIM 614653.
Epidermolysis bullosa simplex 3, localized or generalized intermediate, with BP230 deficiency (EBS3). Also called: Epidermolysis bullosa simplex, autosomal recessive 2; Epidermolysis bullosa simplex due to BP230 deficiency. Identifiers: Orphanet 412181, MedGen C3809470, MONDO:0014180, OMIM 615425.

Allele frequency attached by ClinVar (database versions not stated): TOPMed 0.00005; gnomAD 0.00008; 1000 Genomes Project 30x 0.00016; 1000 Genomes Project 0.00020.
gnomAD v4.1: 13 of 1,578,870 alleles (0.00082%); highest among the groups gnomAD compares: African/African-American, 0.016%; no homozygotes.

Submission:

Labcorp Genetics (formerly Invitae), Labcorp
Classification: Uncertain significance for Epidermolysis bullosa simplex 3, localized or generalized intermediate, with BP230 deficiency; Hereditary sensory and autonomic neuropathy type 6. Last evaluated: 2023-11-16. Review status: criteria provided, single submitter. Criteria: Invitae Variant Classification Sherloc (09022015). Collection method: clinical testing. Allele origin: germline.
Comment: The DST gene has multiple clinically relevant transcripts. This variant occurs in alternate transcript NM_015548.4(, and corresponds to NM_001723.5:c.*87767G>A in the primary transcript. This sequence change falls in intron 48 of the DST gene. It does not directly change the encoded amino acid sequence of the DST protein. This variant is present in population databases (rs549753204, gnomAD 0.03%). This variant has not been reported in the literature in individuals affected with DST-related conditions. Experimental studies and prediction algorithms are not available or were not evaluated, and the effect of this variant on mRNA splicing is currently unknown. In summary, the available evidence is currently insufficient to determine the role of this variant in disease. Therefore, it has been classified as a Variant of Uncertain Significance.

NM_001374736.1(DST):c.17681-16G>A

Gene: DST (dystonin; minus strand). Cytogenetic location: 6p12.1.
Variant type: single nucleotide variant.
Coding change: c.17681-16G>A on transcript NM_001374736.1 (MANE Select); 16 bases into the intron before coding-DNA position 17681, G replaced by A.
Molecular consequence: intron variant.
Genome position (GRCh38, 1-based): chr6:56,527,750, C>T on the plus strand (G>A on the coding strand, the complement: DST is on the minus strand). VCF-style: chr6-56527750-C-T. GRCh37 (hg19) VCF-style: chr6-56392548-C-T.
Other names: c.11324-16G>A (NM_001144769.5); c.17681-16G>A (NM_001374722.1); c.17708-16G>A (NM_001374734.1); c.10910-16G>A (NM_001144770.2); c.10463-16G>A (NM_001374730.1); c.10790-16G>A (NM_001386100.1, NM_183380.4); c.16721-16G>A (NM_001374729.1); c.9812-16G>A (NM_015548.5).
Identifiers: ClinVar variation 2928485 (VCV002928485.3), dbSNP rs549753204, ClinGen allele CA139189249.